The following is an entry in ClinVar:

ClinVar aggregate classification (germline): Uncertain significance (1 of 4 stars; one submission).

Conditions:
TBX3-related disorder. Also called: TBX3-related condition.

Submission:

PreventionGenetics, part of Exact Sciences
Classification: Uncertain significance for TBX3-related condition. Last evaluated: 2025-08-15. Review status: criteria provided, single submitter. Criteria: ACMG Guidelines, 2015. Collection method: clinical testing. Allele origin: germline.
Comment: The TBX3 c.1765T>A variant is predicted to result in the amino acid substitution p.Ser589Thr. To our knowledge, this variant has not been reported in the literature or in a large population database (gnomAD), indicating this variant is rare. At this time, the clinical significance of this variant is uncertain due to the absence of conclusive functional and genetic evidence.

NM_005996.4(TBX3):c.1705T>A (p.Ser569Thr)

Gene: TBX3 (T-box transcription factor 3; minus strand). Cytogenetic location: 12q24.21.
Variant type: single nucleotide variant.
Coding change: c.1705T>A on transcript NM_005996.4 (MANE Select); coding-DNA position 1705, T replaced by A.
Protein change: p.Ser569Thr; replaces serine 569 with threonine.
Molecular consequence: missense variant.
Genome position (GRCh38, 1-based): chr12:114,674,170, A>T on the plus strand (T>A on the coding strand, the complement: TBX3 is on the minus strand). VCF-style: chr12-114674170-A-T. GRCh37 (hg19) VCF-style: chr12-115111975-A-T.
Other names: c.1765T>A, p.Ser589Thr (NM_016569.4); short protein forms S569T, S589T.
Identifiers: ClinVar variation 4993774 (VCV004993774.1).